The following is an entry in ClinVar:

ClinVar aggregate classification (germline): Uncertain significance (1 of 4 stars; one submission).

Submission:

Labcorp Genetics (formerly Invitae), Labcorp
Classification: Uncertain significance. Last evaluated: 2025-09-10. Review status: criteria provided, single submitter. Criteria: Invitae Variant Classification Sherloc (09022015). Collection method: clinical testing. Allele origin: germline.
Comment: This sequence change replaces alanine, which is neutral and non-polar, with valine, which is neutral and non-polar, at codon 252 of the PLEKHM2 protein (p.Ala252Val). This variant is not present in population databases (gnomAD no frequency). This variant has not been reported in the literature in individuals affected with PLEKHM2-related conditions. An algorithm developed to predict the effect of missense changes on protein structure and function (PolyPhen-2) suggests that this variant is likely to be tolerated. In summary, the available evidence is currently insufficient to determine the role of this variant in disease. Therefore, it has been classified as a Variant of Uncertain Significance.

NM_015164.4(PLEKHM2):c.755C>T (p.Ala252Val)

Gene: PLEKHM2 (pleckstrin homology and RUN domain containing M2; plus strand). Cytogenetic location: 1p36.21.
Variant type: single nucleotide variant.
Coding change: c.755C>T on transcript NM_015164.4 (MANE Select); coding-DNA position 755, C replaced by T.
Protein change: p.Ala252Val; replaces alanine 252 with valine.
Molecular consequence: missense variant.
Genome position (GRCh38, 1-based): chr1:15,725,359, C>T. VCF-style: chr1-15725359-C-T. GRCh37 (hg19) VCF-style: chr1-16051854-C-T.
Other names: c.695C>T, p.Ala232Val (NM_001410755.1); short protein forms A232V, A252V.
Identifiers: ClinVar variation 4812517 (VCV004812517.1).